The following is an entry in ClinVar:

ClinVar aggregate classification (germline): Uncertain significance (1 of 4 stars; one submission).

Conditions:
Ehlers-Danlos syndrome, classic type, 1 (EDSCL1). Also called: EHLERS-DANLOS SYNDROME, GRAVIS TYPE; EHLERS-DANLOS SYNDROME, SEVERE CLASSIC TYPE; Ehlers-Danlos syndrome, type 1; Ehlers-Danlos Syndrome, Classic Type, COL5A1-Related; EDS I. Identifiers: MedGen C0268335, MONDO:0019567, OMIM 130000.

Submission:

Labcorp Genetics (formerly Invitae), Labcorp
Classification: Uncertain significance for Ehlers-Danlos syndrome, classic type, 1. Last evaluated: 2024-09-27. Review status: criteria provided, single submitter. Criteria: Invitae Variant Classification Sherloc (09022015). Collection method: clinical testing. Allele origin: germline.
Comment: This sequence change replaces glycine, which is neutral and non-polar, with valine, which is neutral and non-polar, at codon 1042 of the COL5A1 protein (p.Gly1042Val). This variant is not present in population databases (gnomAD no frequency). This variant has not been reported in the literature in individuals affected with COL5A1-related conditions. ClinVar contains an entry for this variant (Variation ID: 1483260). Invitae Evidence Modeling of protein sequence and biophysical properties (such as structural, functional, and spatial information, amino acid conservation, physicochemical variation, residue mobility, and thermodynamic stability) indicates that this missense variant is expected to disrupt COL5A1 protein function with a positive predictive value of 80%. This variant disrupts the triple helix domain of COL5A1. Glycine residues within the Gly-Xaa-Yaa repeats of the triple helix domain are required for the structure and stability of fibrillar collagens (PMID: 7695699, 8218237, 19344236), and variants at these glycine residues in COL5A1 are more frequently observed in individuals with disease than in the general population (PMID: 22696272, 23587214). However, the clinical significance of this observation remains uncertain since only a limited number of affected individuals have been described to date. In summary, the available evidence is currently insufficient to determine the role of this variant in disease. Therefore, it has been classified as a Variant of Uncertain Significance.

Literature cited by the submitters: PubMed 7695699; PubMed 8218237; PubMed 19344236; PubMed 22696272; PubMed 23587214.

NM_000093.5(COL5A1):c.3125G>T (p.Gly1042Val)

Gene: COL5A1 (collagen type V alpha 1 chain; plus strand). Cytogenetic location: 9q34.3.
Variant type: single nucleotide variant.
Coding change: c.3125G>T on transcript NM_000093.5 (MANE Select); coding-DNA position 3125, G replaced by T.
Protein change: p.Gly1042Val; replaces glycine 1042 with valine.
Molecular consequence: missense variant.
Genome position (GRCh38, 1-based): chr9:134,804,985, G>T. VCF-style: chr9-134804985-G-T. GRCh37 (hg19) VCF-style: chr9-137696831-G-T.
Other names: c.3125G>T, p.Gly1042Val (NM_001278074.1); short protein forms G1042V.
Identifiers: ClinVar variation 1483260 (VCV001483260.6), dbSNP rs2132827065, ClinGen allele CA375450280.
Genomic context (GRCh38, chr9:134,804,985, plus strand): 5'-AGGTCTGCGTCACTGGCTCCAGGAAAGCTCATCTCTGACTCTGTTTTCAGGGTGACCCAG[G>T]CCCTGCAGGCCTCCCTGGGAAAGATGGCCCTCCAGGATTACGTGGTTTCCCTGGGGACCG-3'
Protein context (NP_000084.3, residues 1032-1052): AGKEGTKGDP[Gly1042Val]PAGLPGKDGP